The following is an entry in ClinVar:

ClinVar aggregate classification (germline): Uncertain significance (1 of 4 stars; one submission).

Submission:

GeneDx
Classification: Uncertain significance. Last evaluated: 2023-05-17. Review status: criteria provided, single submitter. Criteria: GeneDx Variant Classification Process June 2021. Collection method: clinical testing. Allele origin: germline. Affected: yes.
Comment: Has not been previously published as pathogenic or benign to our knowledge; Not observed at significant frequency in large population cohorts (gnomAD); In silico analysis supports that this missense variant does not alter protein structure/function

NM_003242.6(TGFBR2):c.1523A>G (p.Gln508Arg)

Gene: TGFBR2 (transforming growth factor beta receptor 2; plus strand). Cytogenetic location: 3p24.1.
Variant type: single nucleotide variant.
Coding change: c.1523A>G on transcript NM_003242.6 (MANE Select); coding-DNA position 1523, A replaced by G.
Protein change: p.Gln508Arg; replaces glutamine 508 with arginine.
Molecular consequence: missense variant.
Genome position (GRCh38, 1-based): chr3:30,688,510, A>G. VCF-style: chr3-30688510-A-G. GRCh37 (hg19) VCF-style: chr3-30730002-A-G.
Other names: c.1598A>G, p.Gln533Arg (NM_001024847.3); c.1706A>G, p.Gln569Arg (NM_001407126.1); c.1631A>G, p.Gln544Arg (NM_001407127.1); c.1550A>G, p.Gln517Arg (NM_001407128.1); c.1526A>G, p.Gln509Arg (NM_001407129.1); c.1520A>G, p.Gln507Arg (NM_001407130.1); c.1418A>G, p.Gln473Arg (NM_001407132.1, NM_001407133.1, NM_001407134.1 and 2 more transcripts); c.1238A>G, p.Gln413Arg (NM_001407137.1); and 2 more; short protein forms Q218R, Q388R, Q413R, Q473R, Q507R, Q508R, Q509R, Q517R.
Identifiers: ClinVar variation 3343594 (VCV003343594.1).